The following is an entry in ClinVar:

NM_020937.4(FANCM):c.1228A>T (p.Met410Leu)

Gene: FANCM (FA complementation group M; plus strand). Cytogenetic location: 14q21.2.
Variant type: single nucleotide variant.
Coding change: c.1228A>T on transcript NM_020937.4 (MANE Select); coding-DNA position 1228, A replaced by T.
Protein change: p.Met410Leu; replaces methionine 410 with leucine.
Molecular consequence: missense variant.
Genome position (GRCh38, 1-based): chr14:45,154,741, A>T. VCF-style: chr14-45154741-A-T. GRCh37 (hg19) VCF-style: chr14-45623944-A-T.
Other names: c.1150A>T, p.Met384Leu (NM_001308133.2); c.1228A>T, p.Met410Leu (NM_001308134.2); short protein forms M384L, M410L.
Identifiers: ClinVar variation 4871046 (VCV004871046.1).

ClinVar aggregate classification (germline): Uncertain significance (1 of 4 stars; one submission).

Conditions:
Inborn genetic diseases. Identifiers: MedGen C0950123, MeSH D030342.

Submission:

Ambry Genetics
Classification: Uncertain significance for Inborn genetic diseases. Last evaluated: 2026-03-28. Review status: criteria provided, single submitter. Criteria: Ambry Variant Classification Scheme 2023. Collection method: clinical testing. Allele origin: germline.
Comment: The p.M410L variant (also known as c.1228A>T), located in coding exon 7 of the FANCM gene, results from an A to T substitution at nucleotide position 1228. The methionine at codon 410 is replaced by leucine, an amino acid with highly similar properties. This amino acid position is conserved. In addition, this alteration is predicted to be tolerated by in silico analysis. Based on the available evidence, the clinical significance of this variant remains unclear.